The following is an entry in ClinVar:

NM_005045.4(RELN):c.6770C>T (p.Ser2257Leu)

Gene: RELN (reelin; minus strand). Cytogenetic location: 7q22.1.
Variant type: single nucleotide variant.
Coding change: c.6770C>T on transcript NM_005045.4 (MANE Select); coding-DNA position 6770, C replaced by T.
Protein change: p.Ser2257Leu; replaces serine 2257 with leucine.
Molecular consequence: missense variant.
Genome position (GRCh38, 1-based): chr7:103,540,357, G>A on the plus strand (C>T on the coding strand, the complement: RELN is on the minus strand). VCF-style: chr7-103540357-G-A. GRCh37 (hg19) VCF-style: chr7-103180804-G-A.
Other names: c.6770C>T, p.Ser2257Leu (NM_173054.3); short protein forms S2257L.
Identifiers: ClinVar variation 1317415 (VCV001317415.5), dbSNP rs773832988, ClinGen allele CA4420879.

ClinVar aggregate classification (germline): Conflicting classifications of pathogenicity. Review status: criteria provided, conflicting classifications (1 of 4 stars). 2 submissions from 2 submitters: Uncertain significance (1); Likely benign (1). Last evaluated 2025-11-12.

Conditions:
Norman-Roberts syndrome (LIS2). Also called: Lissencephaly 2 (Norman-Roberts type). Identifiers: Orphanet 89844, MedGen C0796089, MONDO:0009760, OMIM 257320.
Familial temporal lobe epilepsy 7. Identifiers: Orphanet 101046, MedGen C4225327, MONDO:0014639, OMIM 616436.

Allele frequency attached by ClinVar (database versions not stated): gnomAD 0.00001.
gnomAD v4.1: 26 of 1,613,976 alleles (0.0016%); highest among the groups gnomAD compares: Middle Eastern, 0.049%; no homozygotes.

Submissions (2):

Labcorp Genetics (formerly Invitae), Labcorp
Classification: Likely benign for Familial temporal lobe epilepsy 7; Norman-Roberts syndrome. Last evaluated: 2025-11-12. Review status: criteria provided, single submitter. Criteria: Invitae Variant Classification Sherloc (09022015). Collection method: clinical testing. Allele origin: germline.

GeneDx
Classification: Uncertain significance. Last evaluated: 2019-12-30. Review status: criteria provided, single submitter. Criteria: GeneDx Variant Classification Process June 2021. Collection method: clinical testing. Allele origin: germline. Affected: yes.
Comment: Not observed at a significant frequency in large population cohorts (Lek et al., 2016); In silico analysis, which includes protein predictors and evolutionary conservation, supports that this variant does not alter protein structure/function; Has not been previously published as pathogenic or benign to our knowledge